The following is an entry in ClinVar:

ClinVar aggregate classification (germline): Uncertain significance (1 of 4 stars; one submission).

Conditions:
Hereditary cancer-predisposing syndrome. Also called: Hereditary Cancer Syndrome; Tumor predisposition; Hereditary neoplastic syndrome; Neoplastic Syndromes, Hereditary. Identifiers: Orphanet 140162, MedGen C0027672, MeSH D009386, MONDO:0015356.

Submission:

Labcorp Genetics (formerly Invitae), Labcorp
Classification: Uncertain significance for Hereditary cancer-predisposing syndrome. Last evaluated: 2023-02-10. Review status: criteria provided, single submitter. Criteria: Invitae Variant Classification Sherloc (09022015). Collection method: clinical testing. Allele origin: germline.
Comment: In summary, the available evidence is currently insufficient to determine the role of this variant in disease. Therefore, it has been classified as a Variant of Uncertain Significance. Advanced modeling of protein sequence and biophysical properties (such as structural, functional, and spatial information, amino acid conservation, physicochemical variation, residue mobility, and thermodynamic stability) performed at Invitae indicates that this missense variant is expected to disrupt RAD50 protein function. ClinVar contains an entry for this variant (Variation ID: 1043853). This variant has not been reported in the literature in individuals affected with RAD50-related conditions. This variant is not present in population databases (gnomAD no frequency). This sequence change replaces methionine, which is neutral and non-polar, with lysine, which is basic and polar, at codon 540 of the RAD50 protein (p.Met540Lys).

NM_005732.4(RAD50):c.1619T>A (p.Met540Lys)

Gene: RAD50 (RAD50 double strand break repair protein; plus strand). Cytogenetic location: 5q31.1.
Variant type: single nucleotide variant.
Coding change: c.1619T>A on transcript NM_005732.4 (MANE Select); coding-DNA position 1619, T replaced by A.
Protein change: p.Met540Lys; replaces methionine 540 with lysine.
Molecular consequence: missense variant.
Genome position (GRCh38, 1-based): chr5:132,591,390, T>A. VCF-style: chr5-132591390-T-A. GRCh37 (hg19) VCF-style: chr5-131927082-T-A.
Other names: short protein forms M540K.
Identifiers: ClinVar variation 1043853 (VCV001043853.9), dbSNP rs566176121, ClinGen allele CA360946151.
Genomic context (GRCh38, chr5:132,591,390, plus strand): 5'-AACTTGACCAGGAGATGGAGCAGTTAAACCATCATACAACAACACGTACCCAAATGGAGA[T>A]GCTGACCAAAGACAAAGTATGATTTTTCTTTTTGTTCTAATTATACTGTCTGGTACTTAA-3'
Protein context (NP_005723.2, residues 530-550): HHTTTRTQME[Met540Lys]LTKDKADKDE